The following is an entry in ClinVar:

NM_000059.4(BRCA2):c.6148G>T (p.Val2050Leu)

Gene: BRCA2 (BRCA2 DNA repair associated; plus strand). Cytogenetic location: 13q13.1.
Variant type: single nucleotide variant.
Coding change: c.6148G>T on transcript NM_000059.4 (MANE Select); coding-DNA position 6148, G replaced by T.
Protein change: p.Val2050Leu; replaces valine 2050 with leucine.
Molecular consequence: missense variant.
Genome position (GRCh38, 1-based): chr13:32,340,503, G>T. VCF-style: chr13-32340503-G-T. GRCh37 (hg19) VCF-style: chr13-32914640-G-T.
Other names: short protein forms V2050L.
Identifiers: ClinVar variation 619642 (VCV000619642.11), dbSNP rs80358854, ClinGen allele CA387788275.

ClinVar aggregate classification (germline): Conflicting classifications of pathogenicity. Review status: criteria provided, conflicting classifications (1 of 4 stars). 4 submissions from 4 submitters: Uncertain significance (2); Likely benign (2). Last evaluated 2024-07-09.

Conditions:
Hereditary breast ovarian cancer syndrome. Also called: Hereditary breast and ovarian cancer; Hereditary breast and ovarian cancer syndrome (HBOC); Breast and ovarian cancer; BRCA1- and BRCA2-Associated Hereditary Breast and Ovarian Cancer; Hereditary breast and/or ovarian cancer syndrome; Hereditary breast and ovarian cancer syndrome. Identifiers: Orphanet 145, MedGen C0677776, MeSH D061325, MONDO:0003582. Disease mechanism: loss of function.
Hereditary cancer-predisposing syndrome. Also called: Neoplastic Syndromes, Hereditary; Hereditary neoplastic syndrome; Tumor predisposition; Hereditary Cancer Syndrome. Identifiers: Orphanet 140162, MedGen C0027672, MeSH D009386, MONDO:0015356.

Submissions (4):

Ambry Genetics
Classification: Likely benign for Hereditary cancer-predisposing syndrome. Last evaluated: 2024-07-09. Review status: criteria provided, single submitter. Criteria: Ambry Variant Classification Scheme 2023. Collection method: clinical testing. Allele origin: germline.

Labcorp Genetics (formerly Invitae), Labcorp
Classification: Uncertain significance for Hereditary breast ovarian cancer syndrome. Last evaluated: 2023-07-19. Review status: criteria provided, single submitter. Criteria: Invitae Variant Classification Sherloc (09022015). Collection method: clinical testing. Allele origin: germline.
Comment: Advanced modeling of protein sequence and biophysical properties (such as structural, functional, and spatial information, amino acid conservation, physicochemical variation, residue mobility, and thermodynamic stability) performed at Invitae indicates that this missense variant is not expected to disrupt BRCA2 protein function. ClinVar contains an entry for this variant (Variation ID: 619642). This variant has not been reported in the literature in individuals affected with BRCA2-related conditions. This variant is not present in population databases (gnomAD no frequency). This sequence change replaces valine, which is neutral and non-polar, with leucine, which is neutral and non-polar, at codon 2050 of the BRCA2 protein (p.Val2050Leu). In summary, the available evidence is currently insufficient to determine the role of this variant in disease. Therefore, it has been classified as a Variant of Uncertain Significance.

University of Washington Department of Laboratory Medicine, University of Washington
Classification: Likely benign for Hereditary cancer-predisposing syndrome. Last evaluated: 2023-03-23. Review status: criteria provided, single submitter. Criteria: Dines et al. (Genet Med. 2020). Collection method: curation. Allele origin: germline.
Comment: Missense variant in a coldspot region where missense variants are very unlikely to be pathogenic (PMID:31911673).

BRCA2 exon 11 coldspot. Reclassification based on statistical prior probability.

Quest Diagnostics Nichols Institute San Juan Capistrano
Classification: Uncertain significance. Last evaluated: 2017-11-24. Review status: criteria provided, single submitter. Criteria: Quest Diagnostics criteria. Collection method: clinical testing. Allele origin: germline.